The following is an entry in ClinVar:

NM_001098816.3(TENM4):c.6475T>G (p.Phe2159Val)

Gene: TENM4 (teneurin transmembrane protein 4; minus strand). Cytogenetic location: 11q14.1.
Variant type: single nucleotide variant.
Coding change: c.6475T>G on transcript NM_001098816.3 (MANE Select); coding-DNA position 6475, T replaced by G.
Protein change: p.Phe2159Val; replaces phenylalanine 2159 with valine.
Molecular consequence: missense variant.
Genome position (GRCh38, 1-based): chr11:78,669,870, A>C on the plus strand (T>G on the coding strand, the complement: TENM4 is on the minus strand). VCF-style: chr11-78669870-A-C. GRCh37 (hg19) VCF-style: chr11-78380915-A-C.
Other names: short protein forms F2159V.
Identifiers: ClinVar variation 3902403 (VCV003902403.1).
Genomic context (GRCh38, chr11:78,669,870, plus strand): 5'-TCTTCACTACTCGCCCCATGTTATCATACTGGACGGTCATCCAGTACATGAGCGAGCGGA[A>C]GATCTCATACTGCACTTCCTTCATCCTGCCATATGCATCAAAATGCTTGGTGTGGGTCAT-3'
Protein context (NP_001092286.2, residues 2149-2169): GRMKEVQYEI[Phe2159Val]RSLMYWMTVQ

ClinVar aggregate classification (germline): Uncertain significance (1 of 4 stars; one submission).

gnomAD v4.1: 3 of 1,613,800 alleles (0.00019%); highest among the groups gnomAD compares: South Asian, 0.0033%; no homozygotes.

Submission:

Women's Health and Genetics/Laboratory Corporation of America, LabCorp
Classification: Uncertain significance. Last evaluated: 2025-05-08. Review status: criteria provided, single submitter. Criteria: LabCorp Variant Classification Summary - May 2015. Collection method: clinical testing. Allele origin: germline.
Comment: Variant summary: TENM4 c.6475T>G (p.Phe2159Val) results in a non-conservative amino acid change in the encoded protein sequence. Algorithms developed to predict the effect of missense changes on protein structure and function all suggest that this variant is likely to be disruptive. The variant was absent in 248582 control chromosomes. The available data on variant occurrences in the general population are insufficient to allow any conclusion about variant significance. To our knowledge, no occurrence of c.6475T>G in individuals affected with Tremor, Hereditary Essential, 5 and no experimental evidence demonstrating its impact on protein function have been reported. No submitters have cited clinical-significance assessments for this variant to ClinVar. Based on the evidence outlined above, the variant was classified as uncertain significance.